The following is an entry in ClinVar:

ClinVar aggregate classification (germline): Likely benign. Review status: criteria provided, multiple submitters, no conflicts (2 of 4 stars). 3 submissions from 3 submitters: Likely benign (3). Last evaluated 2025-11-06.

Conditions:
Charcot-Marie-Tooth disease dominant intermediate B (CMTDIB). Also called: CHARCOT-MARIE-TOOTH NEUROPATHY, DOMINANT INTERMEDIATE B; Charcot-Marie-Tooth disease dominant intermediate 1; CMT DI1; Charcot-Marie-Tooth disease dominant intermediate I. Identifiers: Orphanet 100044, Orphanet 228179, MedGen C1847902, MONDO:0011674, OMIM 606482.
Inborn genetic diseases. Identifiers: MedGen C0950123, MeSH D030342.

Allele frequency attached by ClinVar (database versions not stated): gnomAD 0.00003 and 0.00005; gnomAD exomes 0.00003 and 0.00008; ExAC 0.00007; TOPMed 0.00011; 1000 Genomes Project 30x 0.00016; 1000 Genomes Project 0.00020.
gnomAD v4.1: 52 of 1,614,120 alleles (0.0032%); highest among the groups gnomAD compares: East Asian, 0.094%; no homozygotes.

Submissions (3):

Labcorp Genetics (formerly Invitae), Labcorp
Classification: Likely benign for Charcot-Marie-Tooth disease dominant intermediate B. Last evaluated: 2025-11-06. Review status: criteria provided, single submitter. Criteria: Invitae Variant Classification Sherloc (09022015). Collection method: clinical testing. Allele origin: germline.

Ambry Genetics
Classification: Likely benign for Inborn genetic diseases. Last evaluated: 2019-07-11. Review status: criteria provided, single submitter. Criteria: Ambry Variant Classification Scheme 2023. Collection method: clinical testing. Allele origin: germline.

GeneDx
Classification: Likely benign. Last evaluated: 2016-12-13. Review status: criteria provided, single submitter. Criteria: GeneDx Variant Classification (06012015). Collection method: clinical testing. Allele origin: germline. Affected: yes.
Comment: This variant is considered likely benign or benign based on one or more of the following criteria: it is a conservative change, it occurs at a poorly conserved position in the protein, it is predicted to be benign by multiple in silico algorithms, and/or has population frequency not consistent with disease.

NM_001005361.3(DNM2):c.1518G>C (p.Leu506=)

Gene: DNM2 (dynamin 2; plus strand). Cytogenetic location: 19p13.2.
Variant type: single nucleotide variant.
Coding change: c.1518G>C on transcript NM_001005361.3 (MANE Select); coding-DNA position 1518, G replaced by C.
Protein change: p.Leu506=; no amino-acid change (leucine 506 retained).
Molecular consequence: synonymous variant.
Genome position (GRCh38, 1-based): chr19:10,805,940, G>C. VCF-style: chr19-10805940-G-C. GRCh37 (hg19) VCF-style: chr19-10916616-G-C.
Other names: c.1518G>C, p.Leu506= (NM_001005360.3, NM_001005362.3, NM_001190716.2 and 1 more transcripts).
Identifiers: ClinVar variation 391434 (VCV000391434.10), dbSNP rs201426481, ClinGen allele CA9201211.